The following is an entry in ClinVar:

ClinVar aggregate classification (germline): Uncertain significance (1 of 4 stars; one submission).

Conditions:
Basal cell nevus syndrome 1 (BCNS1). Also called: GORLIN-GOLTZ SYNDROME; MULTIPLE BASAL CELL NEVI, ODONTOGENIC KERATOCYSTS, AND SKELETAL ANOMALIES. Identifiers: MedGen CN376810, MONDO:0958174, OMIM 109400.

Submission:

St. Jude Molecular Pathology, St. Jude Children's Research Hospital
Classification: Uncertain significance for Basal cell nevus syndrome 1. Last evaluated: 2026-02-20. Review status: criteria provided, single submitter. Criteria: St. Jude Assertion Criteria 2020. Collection method: clinical testing. Allele origin: germline.
Comment: The PTCH2 c.87C>A p.(Ser29Arg) missense change is absent in gnomAD v2.1.1. The in silico tool REVEL predicts a benign effect on protein func tion, but this prediction has not been confirmed by functional studies. This variant has not been reported in individuals with nevoid basal cell carcinoma syndrome. In summary, the evidence currently available is insufficient to determine the clinical si gnificance of this variant. It has therefore been classified as of uncertain significance.

NM_003738.5(PTCH2):c.87C>A (p.Ser29Arg)

Gene: PTCH2 (patched 2; minus strand). Cytogenetic location: 1p34.1.
Variant type: single nucleotide variant.
Coding change: c.87C>A on transcript NM_003738.5 (MANE Select); coding-DNA position 87, C replaced by A.
Protein change: p.Ser29Arg; replaces serine 29 with arginine.
Molecular consequence: missense variant.
Genome position (GRCh38, 1-based): chr1:44,842,025, G>T on the plus strand (C>A on the coding strand, the complement: PTCH2 is on the minus strand). VCF-style: chr1-44842025-G-T. GRCh37 (hg19) VCF-style: chr1-45307697-G-T.
Other names: c.87C>A, p.Ser29Arg (NM_001166292.2); short protein forms S29R.
Identifiers: ClinVar variation 4813179 (VCV004813179.1).